The following is an entry in ClinVar:

NM_001009944.3(PKD1):c.12340C>T (p.Arg4114Cys)

Gene: PKD1 (polycystin 1, transient receptor potential channel interacting; minus strand). Cytogenetic location: 16p13.3.
Variant type: single nucleotide variant.
Coding change: c.12340C>T on transcript NM_001009944.3 (MANE Select); coding-DNA position 12340, C replaced by T.
Protein change: p.Arg4114Cys; replaces arginine 4114 with cysteine.
Molecular consequence: missense variant.
Genome position (GRCh38, 1-based): chr16:2,090,389, G>A on the plus strand (C>T on the coding strand, the complement: PKD1 is on the minus strand). VCF-style: chr16-2090389-G-A. GRCh37 (hg19) VCF-style: chr16-2140390-G-A.
Other names: c.12337C>T, p.Arg4113Cys (NM_000296.4); short protein forms R4113C, R4114C.
Identifiers: ClinVar variation 3354672 (VCV003354672.2).

ClinVar aggregate classification (germline): Uncertain significance. Review status: criteria provided, single submitter (1 of 4 stars). 2 submissions from 2 submitters: Uncertain significance (1). 1 of the submissions does not count toward it. Last evaluated 2025-09-10.

Conditions:
PKD1-related disorder. Also called: PKD1-related condition.
Polycystic kidney disease, adult type (PKD1). Also called: Polycystic Kidney, Autosomal Dominant; POLYCYSTIC KIDNEY DISEASE 1 WITH OR WITHOUT POLYCYSTIC LIVER DISEASE; POLYCYSTIC KIDNEY DISEASE, ADULT, TYPE I; Polycystic Kidney Disease 1, Autosomal Dominant; Polycystic kidney disease 1; Polycystic kidney disease 1, severe. Identifiers: MedGen C3149841, MONDO:0008263, OMIM 173900.

gnomAD v4.1: 18 of 1,612,532 alleles (0.0011%); highest among the groups gnomAD compares: Middle Eastern, 0.016%; 1 homozygote.

Submissions (2):

Genomic Medicine Center of Excellence, King Faisal Specialist Hospital and Research Centre
Classification: Uncertain significance for Polycystic kidney disease, adult type. Last evaluated: 2025-09-10. Review status: criteria provided, single submitter. Criteria: ACMG Guidelines, 2015. Collection method: clinical testing. Allele origin: germline.

PreventionGenetics, part of Exact Sciences
Classification: Uncertain significance for PKD1-related condition. Last evaluated: 2024-06-22. Review status: no assertion criteria provided. Collection method: clinical testing. Allele origin: germline. Not counted in ClinVar's aggregate classification.
Comment: The PKD1 c.12340C>T variant is predicted to result in the amino acid substitution p.Arg4114Cys. To our knowledge, this variant has not been reported in the literature. The highest population frequency of this variant is 0.0065% in individuals of South Asian ancestry in gnomAD. At this time, the clinical significance of this variant is uncertain due to the absence of conclusive functional and genetic evidence.